The following is an entry in ClinVar:

NM_020822.3(KCNT1):c.1828C>A (p.Pro610Thr)

Gene: KCNT1 (potassium sodium-activated channel subfamily T member 1; plus strand). Cytogenetic location: 9q34.3.
Variant type: single nucleotide variant.
Coding change: c.1828C>A on transcript NM_020822.3 (MANE Select); coding-DNA position 1828, C replaced by A.
Protein change: p.Pro610Thr; replaces proline 610 with threonine.
Molecular consequence: missense variant.
Genome position (GRCh38, 1-based): chr9:135,770,915, C>A. VCF-style: chr9-135770915-C-A. GRCh37 (hg19) VCF-style: chr9-138662761-C-A.
Other names: c.1693C>A, p.Pro565Thr (NM_001272003.2); short protein forms P610T, P565T.
Identifiers: ClinVar variation 2932733 (VCV002932733.3), dbSNP rs1219746061, ClinGen allele CA375508141.

ClinVar aggregate classification (germline): Uncertain significance (1 of 4 stars; one submission).

Conditions:
Autosomal dominant nocturnal frontal lobe epilepsy 5. Also called: Epilepsy, nocturnal frontal lobe, 5; CILIARY DYSKINESIA, PRIMARY, 28, WITHOUT SITUS INVERSUS; CILIARY DYSKINESIA, PRIMARY, 28, WITH SITUS INVERSUS; KCNT1-Related Epilepsy. Identifiers: Orphanet 98784, MedGen C3554306, MONDO:0014002, OMIM 615005.
Developmental and epileptic encephalopathy, 14 (DEE14). Also called: Early infantile epileptic encephalopathy 14. Identifiers: Orphanet 293181, MedGen C3554195, MONDO:0013989, OMIM 614959.

Allele frequency attached by ClinVar (database versions not stated): TOPMed 0.00001.
gnomAD v4.1: 2 of 1,609,990 alleles (0.00012%); highest among the groups gnomAD compares: Non-Finnish European, 0.00017%; no homozygotes.

Submission:

Labcorp Genetics (formerly Invitae), Labcorp
Classification: Uncertain significance for Autosomal dominant nocturnal frontal lobe epilepsy 5; Developmental and epileptic encephalopathy, 14. Last evaluated: 2023-10-16. Review status: criteria provided, single submitter. Criteria: Invitae Variant Classification Sherloc (09022015). Collection method: clinical testing. Allele origin: germline.
Comment: This sequence change replaces proline, which is neutral and non-polar, with threonine, which is neutral and polar, at codon 610 of the KCNT1 protein (p.Pro610Thr). This variant is not present in population databases (gnomAD no frequency). This variant has not been reported in the literature in individuals affected with KCNT1-related conditions. Advanced modeling of protein sequence and biophysical properties (such as structural, functional, and spatial information, amino acid conservation, physicochemical variation, residue mobility, and thermodynamic stability) performed at Invitae indicates that this missense variant is expected to disrupt KCNT1 protein function. In summary, the available evidence is currently insufficient to determine the role of this variant in disease. Therefore, it has been classified as a Variant of Uncertain Significance.